The following is an entry in ClinVar:

NM_152383.5(DIS3L2):c.1988A>G (p.Asn663Ser)

Gene: DIS3L2 (DIS3 like 3'-5' exoribonuclease 2; plus strand). Cytogenetic location: 2q37.1.
Variant type: single nucleotide variant.
Coding change: c.1988A>G on transcript NM_152383.5 (MANE Select); coding-DNA position 1988, A replaced by G.
Protein change: p.Asn663Ser; replaces asparagine 663 with serine.
Molecular consequence: missense variant. On other transcripts: non-coding transcript variant (2), intron variant (1).
Genome position (GRCh38, 1-based): chr2:232,330,754, A>G. VCF-style: chr2-232330754-A-G. GRCh37 (hg19) VCF-style: chr2-233195464-A-G.
Other names: c.1582-12591A>G (NM_001257281.2); short protein forms N663S.
Identifiers: ClinVar variation 1450648 (VCV001450648.3), dbSNP rs1476116348, ClinGen allele CA350976708.

ClinVar aggregate classification (germline): Uncertain significance (1 of 4 stars; one submission).

Conditions:
Perlman syndrome (PRLMNS). Identifiers: Orphanet 2849, MedGen C0796113, MONDO:0009965, OMIM 267000.

Submission:

Labcorp Genetics (formerly Invitae), Labcorp
Classification: Uncertain significance for Perlman syndrome. Last evaluated: 2021-11-03. Review status: criteria provided, single submitter. Criteria: Invitae Variant Classification Sherloc (09022015). Collection method: clinical testing. Allele origin: germline.
Comment: This sequence change replaces asparagine, which is neutral and polar, with serine, which is neutral and polar, at codon 663 of the DIS3L2 protein (p.Asn663Ser). This variant is not present in population databases (gnomAD no frequency). This variant has not been reported in the literature in individuals affected with DIS3L2-related conditions. Algorithms developed to predict the effect of missense changes on protein structure and function output the following: SIFT: "Tolerated"; PolyPhen-2: "Benign"; Align-GVGD: "Class C0". The serine amino acid residue is found in multiple mammalian species, which suggests that this missense change does not adversely affect protein function. In summary, the available evidence is currently insufficient to determine the role of this variant in disease. Therefore, it has been classified as a Variant of Uncertain Significance.